The following is an entry in ClinVar:

ClinVar aggregate classification (germline): Pathogenic (1 of 4 stars; one submission).

Conditions:
Multiple congenital exostosis (EXT). Also called: Multiple exostoses; Hereditary multiple osteochondromas; Hereditary multiple exostoses; Hereditary multiple exostosis; Multiple osteochondromas; MULTIPLE CARTILAGINOUS EXOSTOSES. Identifiers: Orphanet 321, MedGen C0015306, MONDO:0005508, HP:0002762.

Submission:

Labcorp Genetics (formerly Invitae), Labcorp
Classification: Pathogenic for Multiple congenital exostosis. Last evaluated: 2019-09-13. Review status: criteria provided, single submitter. Criteria: Invitae Variant Classification Sherloc (09022015). Collection method: clinical testing. Allele origin: germline.
Comment: For these reasons, this variant has been classified as Pathogenic. Loss-of-function variants in EXT1 are known to be pathogenic (PMID: 10679937, 11391482, 19810120). Algorithms developed to predict the effect of sequence changes on RNA splicing suggest that this variant may create or strengthen a splice site, but this prediction has not been confirmed by published transcriptional studies. This variant is not present in population databases (ExAC no frequency). This sequence change creates a premature translational stop signal (p.Tyr553*) in the EXT1 gene. It is expected to result in an absent or disrupted protein product.

Literature cited by the submitters: PubMed 10679937; PubMed 11391482; PubMed 19810120.

NM_000127.3(EXT1):c.1659del (p.Pro552_Tyr553insTer)

Gene: EXT1 (exostosin glycosyltransferase 1; minus strand). Cytogenetic location: 8q24.11.
Variant type: Deletion.
Coding change: c.1659del on transcript NM_000127.3 (MANE Select); coding-DNA position 1659, one base deleted (C; older notation c.1659delC).
Protein change: p.Pro552_Tyr553insTer.
Molecular consequence: nonsense.
Genome position (GRCh38, 1-based): chr8:117,812,935, G deleted on the plus strand (C on the coding strand, the reverse complement: EXT1 is on the minus strand). VCF-style (leftmost placement, unchanged base first): chr8-117812934-CG-C. GRCh37 (hg19) VCF-style: chr8-118825173-CG-C.
Identifiers: ClinVar variation 959271 (VCV000959271.9), dbSNP rs1823353089, ClinGen allele CA1139660721.